The following is an entry in ClinVar:

ClinVar aggregate classification (germline): Uncertain significance. Review status: criteria provided, multiple submitters, no conflicts (2 of 4 stars). 4 submissions from 4 submitters: Uncertain significance (4). Last evaluated 2026-08-23.

Conditions:
Inborn genetic diseases. Identifiers: MedGen C0950123, MeSH D030342.
Epilepsy, X-linked 1, with variable learning disabilities and behavior disorders. Also called: X-linked epilepsy-learning disabilities-behavior disorders syndrome. Identifiers: Orphanet 85294, MedGen C5774177, MONDO:0010339, OMIM 300491.

Allele frequency attached by ClinVar (database versions not stated): gnomAD 0.00002 and 0.00001; TOPMed 0.00002; 1000 Genomes Project 0.00026; 1000 Genomes Project 30x 0.00021.
gnomAD v4.1: 2 of 1,208,917 alleles (0.00017%); highest among the groups gnomAD compares: Non-Finnish European, 0.00022%; no homozygotes.

Submissions (4):

Ambry Genetics
Classification: Uncertain significance for Inborn genetic diseases. Last evaluated: 2026-08-23. Review status: criteria provided, single submitter. Criteria: Ambry Variant Classification Scheme 2023. Collection method: clinical testing. Allele origin: germline.

Labcorp Genetics (formerly Invitae), Labcorp
Classification: Uncertain significance for Epilepsy, X-linked 1, with variable learning disabilities and behavior disorders. Last evaluated: 2024-10-15. Review status: criteria provided, single submitter. Criteria: Invitae Variant Classification Sherloc (09022015). Collection method: clinical testing. Allele origin: germline.
Comment: This sequence change replaces isoleucine, which is neutral and non-polar, with valine, which is neutral and non-polar, at codon 395 of the SYN1 protein (p.Ile395Val). This variant is not present in population databases (gnomAD no frequency). This variant has not been reported in the literature in individuals affected with SYN1-related conditions. ClinVar contains an entry for this variant (Variation ID: 252671). An algorithm developed to predict the effect of missense changes on protein structure and function (PolyPhen-2) suggests that this variant is likely to be tolerated. In summary, the available evidence is currently insufficient to determine the role of this variant in disease. Therefore, it has been classified as a Variant of Uncertain Significance.

Center for Pediatric Genomic Medicine, Children's Mercy Hospital and Clinics
Classification: Uncertain significance. Last evaluated: 2017-06-15. Review status: criteria provided, single submitter. Criteria: ACMG Guidelines, 2015. Collection method: clinical testing. Allele origin: germline.

Genomic Diagnostic Laboratory, Division of Genomic Diagnostics, Children's Hospital of Philadelphia
Classification: Uncertain significance. Last evaluated: 2015-08-19. Review status: criteria provided, single submitter. Criteria: DGD Variant Analysis Guidelines. Collection method: clinical testing. Allele origin: unknown.

NM_006950.3(SYN1):c.1183A>G (p.Ile395Val)

Gene: SYN1 (synapsin I; minus strand). Cytogenetic location: Xp11.3.
Variant type: single nucleotide variant.
Coding change: c.1183A>G on transcript NM_006950.3 (MANE Select); coding-DNA position 1183, A replaced by G.
Protein change: p.Ile395Val; replaces isoleucine 395 with valine.
Molecular consequence: missense variant.
Genome position (GRCh38, 1-based): chrX:47,575,250, T>C on the plus strand (A>G on the coding strand, the complement: SYN1 is on the minus strand). VCF-style: chrX-47575250-T-C. GRCh37 (hg19) VCF-style: chrX-47434649-T-C.
Other names: c.1183A>G, p.Ile395Val (NM_133499.2); short protein forms I395V.
Identifiers: ClinVar variation 252671 (VCV000252671.14), dbSNP rs185229386, ClinGen allele CA10586044.
Genomic context (GRCh38, chrX:47,575,250, plus strand): 5'-CCATCTTGTTGACCACGAGCTCTACGATGAGCTGTTTGTCTTCATCCTGGTGGTCACCAA[T>C]GAGCGGCATGGAGGAACCCACCACCTGGGGGAAGGAAAGGATCCGTGAGGGGAGAGGCAG-3'
Protein context (NP_008881.2, residues 385-405): IEVVGSSMPL[Ile395Val]GDHQDEDKQL